The following is an entry in ClinVar:

ClinVar aggregate classification (germline): Conflicting classifications of pathogenicity. Review status: criteria provided, conflicting classifications (1 of 4 stars). 2 submissions from 2 submitters: Likely pathogenic (1); Uncertain significance (1). Last evaluated 2026-10-08.

Submissions (2):

GeneDx
Classification: Likely pathogenic. Last evaluated: 2026-10-08. Review status: criteria provided, single submitter. Criteria: GeneDx Variant Classification Process June 2021. Collection method: clinical testing. Allele origin: germline.
Comment: Nonsense variant predicted to result in protein truncation as the last 105 amino acid(s) are lost; Not observed at significant frequency in large population cohorts (gnomAD); Has not been previously published as pathogenic or benign to our knowledge

Labcorp Genetics (formerly Invitae), Labcorp
Classification: Uncertain significance. Last evaluated: 2025-02-16. Review status: criteria provided, single submitter. Criteria: Invitae Variant Classification Sherloc (09022015). Collection method: clinical testing. Allele origin: germline.
Comment: This sequence change creates a premature translational stop signal (p.Tyr659*) in the SOX5 gene. While this is not anticipated to result in nonsense mediated decay, it is expected to disrupt the last 105 amino acid(s) of the SOX5 protein. This variant is not present in population databases (gnomAD no frequency). This variant has not been reported in the literature in individuals affected with SOX5-related conditions. ClinVar contains an entry for this variant (Variation ID: 1205702). In summary, the available evidence is currently insufficient to determine the role of this variant in disease. Therefore, it has been classified as a Variant of Uncertain Significance.

NM_006940.6(SOX5):c.1977C>A (p.Tyr659Ter)

Gene: SOX5 (SRY-box transcription factor 5; minus strand). Cytogenetic location: 12p12.1.
Variant type: single nucleotide variant.
Coding change: c.1977C>A on transcript NM_006940.6 (MANE Select); coding-DNA position 1977, C replaced by A.
Protein change: p.Tyr659Ter; replaces tyrosine 659 with a stop codon.
Molecular consequence: nonsense.
Genome position (GRCh38, 1-based): chr12:23,536,464, G>T on the plus strand (C>A on the coding strand, the complement: SOX5 is on the minus strand). VCF-style: chr12-23536464-G-T. GRCh37 (hg19) VCF-style: chr12-23689398-G-T.
Other names: c.1938C>A, p.Tyr646Ter (NM_152989.5); c.819C>A, p.Tyr273Ter (NM_178010.4); c.1614C>A, p.Tyr538Ter (NM_001261414.3); c.1947C>A, p.Tyr649Ter (NM_001261415.3); c.1872C>A, p.Tyr624Ter (NM_001330785.2); short protein forms Y273*, Y538*, Y624*, Y646*, Y649*, Y659*.
Identifiers: ClinVar variation 1205702 (VCV001205702.11), dbSNP rs2135892447, ClinGen allele CA384319179.